The following is an entry in ClinVar:

ClinVar aggregate classification (germline): Uncertain significance (1 of 4 stars; one submission).

Submission:

Ambry Genetics
Classification: Uncertain significance. Last evaluated: 2026-02-16. Review status: criteria provided, single submitter. Criteria: Ambry Variant Classification Scheme 2023. Collection method: clinical testing. Allele origin: germline.
Comment: The p.Q344E variant (also known as c.1030C>G), located in coding exon 10 of the SRP72 gene, results from a C to G substitution at nucleotide position 1030. The glutamine at codon 344 is replaced by glutamic acid, an amino acid with highly similar properties. This amino acid position is conserved. In addition, the in silico prediction for this alteration is inconclusive. Based on the available evidence, the clinical significance of this variant remains unclear.

NM_006947.4(SRP72):c.1030C>G (p.Gln344Glu)

Gene: SRP72 (signal recognition particle 72; plus strand). Cytogenetic location: 4q12.
Variant type: single nucleotide variant.
Coding change: c.1030C>G on transcript NM_006947.4 (MANE Select); coding-DNA position 1030, C replaced by G.
Protein change: p.Gln344Glu; replaces glutamine 344 with glutamic acid.
Molecular consequence: missense variant. On other transcripts: non-coding transcript variant (1).
Genome position (GRCh38, 1-based): chr4:56,484,808, C>G. VCF-style: chr4-56484808-C-G. GRCh37 (hg19) VCF-style: chr4-57350974-C-G.
Other names: c.847C>G, p.Gln283Glu (NM_001267722.2); short protein forms Q283E, Q344E.
Identifiers: ClinVar variation 4844211 (VCV004844211.1).
Genomic context (GRCh38, chr4:56,484,808, plus strand): 5'-CGCAAAATATCTGCCAGTTTACAGTCCCAAAGTCCCGAGCATCTCTTACCTGTGTTAATC[C>G]AAGCTGCCCAGCTCTGCCGTGAAAAGCAGCACACAAAAGCAATAGAGCTGCTTCAGGTAA-3'
Protein context (NP_008878.3, residues 334-354): SPEHLLPVLI[Gln344Glu]AAQLCREKQH